The following is an entry in ClinVar:

ClinVar aggregate classification (germline): Uncertain significance (1 of 4 stars; one submission).

Conditions:
Koolen-de Vries syndrome (KDVS). Identifiers: Orphanet 96169, MedGen C1864871, MONDO:0012496, OMIM 610443.

Submission:

Labcorp Genetics (formerly Invitae), Labcorp
Classification: Uncertain significance for Koolen-de Vries syndrome. Last evaluated: 2022-09-07. Review status: criteria provided, single submitter. Criteria: Invitae Variant Classification Sherloc (09022015). Collection method: clinical testing. Allele origin: germline.
Comment: In summary, the available evidence is currently insufficient to determine the role of this variant in disease. Therefore, it has been classified as a Variant of Uncertain Significance. Algorithms developed to predict the effect of missense changes on protein structure and function (SIFT, PolyPhen-2, Align-GVGD) all suggest that this variant is likely to be tolerated. This variant has not been reported in the literature in individuals affected with KANSL1-related conditions. This variant is not present in population databases (gnomAD no frequency). This sequence change replaces histidine, which is basic and polar, with arginine, which is basic and polar, at codon 998 of the KANSL1 protein (p.His998Arg).

NM_015443.4(KANSL1):c.2993A>G (p.His998Arg)

Gene: KANSL1 (KAT8 regulatory NSL complex subunit 1). Cytogenetic location: 17q21.31.
Variant type: single nucleotide variant.
Coding change: c.2993A>G on transcript NM_015443.4 (MANE Select); coding-DNA position 2993, A replaced by G.
Protein change: p.His998Arg; replaces histidine 998 with arginine.
Molecular consequence: missense variant.
Genome position (GRCh38, 1-based): chr17:46,032,144, T>C on the plus strand (A>G on the coding strand, the complement: KANSL1 is on the minus strand). VCF-style: chr17-46032144-T-C. GRCh37 (hg19) VCF-style: chr17-44109510-T-C.
Other names: c.2990A>G, p.His997Arg (NM_001193465.2, NM_001405856.1, NM_001405857.1 and 1 more transcripts); c.2993A>G, p.His998Arg (NM_001193466.2, NM_001379198.1, NM_001405854.1 and 1 more transcripts); c.2891A>G, p.His964Arg (NM_001405859.1, NM_001405860.1); c.2756A>G, p.His919Arg (NM_001405881.1); c.1727A>G, p.His576Arg (NM_001405882.1); c.1724A>G, p.His575Arg (NM_001405883.1); c.1538A>G, p.His513Arg (NM_001405884.1); c.1535A>G, p.His512Arg (NM_001405885.1); and 4 more; short protein forms H512R, H513R, H575R, H576R, H919R, H934R, H935R, H954R.
Identifiers: ClinVar variation 1719025 (VCV001719025.5), dbSNP rs2510368504, ClinGen allele CA399986662.